The following is an entry in ClinVar:

ClinVar aggregate classification (germline): Likely benign. Review status: criteria provided, multiple submitters, no conflicts (2 of 4 stars). 4 submissions from 4 submitters: Likely benign (4). Last evaluated 2025-08-15.

Conditions:
Genitopatellar syndrome (GTPTS). Also called: Genitopatellar syndrome (GPS); ABSENT PATELLAE, SCROTAL HYPOPLASIA, RENAL ANOMALIES, FACIAL DYSMORPHISM, AND MENTAL RETARDATION. Identifiers: Orphanet 85201, MedGen C1853566, MONDO:0011640, OMIM 606170.

Allele frequency attached by ClinVar (database versions not stated): gnomAD exomes 0.00003; ExAC 0.00004; gnomAD 0.00006; ESP Exome Variant Server 0.00008; TOPMed 0.00010.
gnomAD v4.1: 160 of 1,614,112 alleles (0.0099%); highest among the groups gnomAD compares: Non-Finnish European, 0.013%; no homozygotes.

Submissions (4):

Labcorp Genetics (formerly Invitae), Labcorp
Classification: Likely benign for Genitopatellar syndrome. Last evaluated: 2025-08-15. Review status: criteria provided, single submitter. Criteria: Invitae Variant Classification Sherloc (09022015). Collection method: clinical testing. Allele origin: germline.

CeGaT Center for Human Genetics Tuebingen
Classification: Likely benign. Last evaluated: 2025-06-01. Review status: criteria provided, single submitter. Criteria: CeGaT Center For Human Genetics Tuebingen Variant Classification Criteria Version 2. Collection method: clinical testing. Allele origin: germline. Affected: yes. Observed: 1 variant allele.
Comment: KAT6B: BP4, BP7

GeneDx
Classification: Likely benign. Last evaluated: 2020-06-18. Review status: criteria provided, single submitter. Criteria: GeneDx Variant Classification Process June 2021. Collection method: clinical testing. Allele origin: germline. Affected: yes.

PreventionGenetics, part of Exact Sciences
Classification: Likely benign. Review status: criteria provided, single submitter. Criteria: ACMG Guidelines, 2015. Collection method: clinical testing. Allele origin: germline.

NM_012330.4(KAT6B):c.5967C>T (p.Leu1989=)

Gene: KAT6B (lysine acetyltransferase 6B; plus strand). Cytogenetic location: 10q22.2.
Variant type: single nucleotide variant.
Coding change: c.5967C>T on transcript NM_012330.4 (MANE Select); coding-DNA position 5967, C replaced by T.
Protein change: p.Leu1989=; no amino-acid change (leucine 1989 retained).
Molecular consequence: synonymous variant.
Genome position (GRCh38, 1-based): chr10:75,030,791, C>T. VCF-style: chr10-75030791-C-T. GRCh37 (hg19) VCF-style: chr10-76790549-C-T.
Other names: c.5418C>T, p.Leu1806= (NM_001256468.2, NM_001370138.1); c.5091C>T, p.Leu1697= (NM_001256469.2, NM_001370139.1, NM_001370140.1 and 2 more transcripts); c.4929C>T, p.Leu1643= (NM_001370132.1); c.4278C>T, p.Leu1426= (NM_001370133.1); c.3882C>T, p.Leu1294= (NM_001370134.1); c.3624C>T, p.Leu1208= (NM_001370135.1); c.5967C>T, p.Leu1989= (NM_001370136.1, NM_001370137.1); c.4902C>T, p.Leu1634= (NM_001370143.1, NM_001370144.1).
Identifiers: ClinVar variation 260249 (VCV000260249.21), dbSNP rs373882553, ClinGen allele CA5565284.
Genomic context (GRCh38, chr10:75,030,791, plus strand): 5'-GAACCTGATGCCAGCGCCAGCCTACAATGTCAACTCTGTGAACATGAACATGAACACTCT[C>T]AACGCCATGAATGGGTACAGCATGTCCCAGCCAATGATGAACAGTGGCTACCACAGCAAT-3'
Protein context (NP_036462.2, residues 1979-1999): VNSVNMNMNT[Leu1989=]NAMNGYSMSQ